The following is an entry in ClinVar:

NM_001001433.3(STX16):c.763A>G (p.Arg255Gly)

Genes: STX16-NPEPL1 (STX16-NPEPL1 readthrough (NMD candidate); plus strand), STX16 (syntaxin 16; plus strand). Cytogenetic location: 20q13.32.
Variant type: single nucleotide variant.
Coding change: c.763A>G on transcript NM_001001433.3 (MANE Select); coding-DNA position 763, A replaced by G.
Protein change: p.Arg255Gly; replaces arginine 255 with glycine.
Molecular consequence: missense variant. On other transcripts: non-coding transcript variant (4).
Genome position (GRCh38, 1-based): chr20:58,671,268, A>G. VCF-style: chr20-58671268-A-G. GRCh37 (hg19) VCF-style: chr20-57246324-A-G.
Other names: c.751A>G, p.Arg251Gly (NM_001134772.3); c.712A>G, p.Arg238Gly (NM_001134773.3); c.604A>G, p.Arg202Gly (NM_001204868.2); c.700A>G, p.Arg234Gly (NM_003763.6); short protein forms R255G, R202G, R234G, R238G, R251G.
Identifiers: ClinVar variation 2742698 (VCV002742698.3), dbSNP rs535191941, ClinGen allele CA316308547.
Genomic context (GRCh38, chr20:58,671,268, plus strand): 5'-GAGCGGGAACGAGAGATTCGCCAGATTGTACAGTCCATTTCTGACCTGAATGAAATATTC[A>G]GGGACTTAGGGGCGATGATTGTAGAACAGGTACGTGAGCTGGCCTTCCTCGTGAATAGGT-3'
Protein context (NP_001001433.1, residues 245-265): QSISDLNEIF[Arg255Gly]DLGAMIVEQG

ClinVar aggregate classification (germline): Uncertain significance (1 of 4 stars; one submission).

Allele frequency attached by ClinVar (database versions not stated): gnomAD exomes below 0.00001; gnomAD 0.00001; 1000 Genomes Project 30x 0.00016; 1000 Genomes Project 0.00020.

Submission:

Labcorp Genetics (formerly Invitae), Labcorp
Classification: Uncertain significance. Last evaluated: 2022-11-09. Review status: criteria provided, single submitter. Criteria: Invitae Variant Classification Sherloc (09022015). Collection method: clinical testing. Allele origin: germline.
Comment: Advanced modeling of protein sequence and biophysical properties (such as structural, functional, and spatial information, amino acid conservation, physicochemical variation, residue mobility, and thermodynamic stability) performed at Invitae indicates that this missense variant is not expected to disrupt STX16 protein function. In summary, the available evidence is currently insufficient to determine the role of this variant in disease. Therefore, it has been classified as a Variant of Uncertain Significance. This variant has not been reported in the literature in individuals affected with STX16-related conditions. This sequence change replaces arginine, which is basic and polar, with glycine, which is neutral and non-polar, at codon 255 of the STX16 protein (p.Arg255Gly). This variant is not present in population databases (gnomAD no frequency).